The following is an entry in ClinVar:

ClinVar aggregate classification (germline): Likely pathogenic (1 of 4 stars; one submission).

Conditions:
Mucolipidosis type IV (ML4). Also called: ML IV. Identifiers: Orphanet 578, MedGen C0238286, MONDO:0009653, OMIM 252650.

Submission:

Myriad Genetics, Inc.
Classification: Likely pathogenic for Mucolipidosis type IV. Last evaluated: 2022-05-14. Review status: criteria provided, single submitter. Criteria: Myriad Women's Health Autosomal Recessive and X-Linked Classification Criteria (2021). Collection method: clinical testing. Allele origin: unknown.
Comment: NM_020533.2(MCOLN1):c.865_866insACTG(V289Dfs*15) is expected to be pathogenic in the context of mucolipidosis IV. This variant is predicted to lead to an abnormal or absent protein product due to the creation of a premature termination codon in MCOLN1, a gene where loss-of-function variants are known to be pathogenic. Please note: this variant was assessed in the context of healthy population screening.

NM_020533.3(MCOLN1):c.865_866insACTG (p.Val289fs)

Gene: MCOLN1 (mucolipin TRP cation channel 1; plus strand). Cytogenetic location: 19p13.2.
Variant type: Insertion.
Coding change: c.865_866insACTG on transcript NM_020533.3 (MANE Select); coding-DNA positions 865 to 866, ACTG inserted.
Protein change: p.Val289fs; shifts the reading frame from valine 289.
Molecular consequence: frameshift variant.
Genome position: GRCh38 VCF-style: chr19-7528243-G-GTGAC. GRCh37 (hg19) VCF-style: chr19-7593129-G-GTGAC.
Other names: short protein forms V289fs.
Identifiers: ClinVar variation 1726055 (VCV001726055.2), dbSNP rs2512471532, ClinGen allele CA2580097121.